The following is an entry in ClinVar:

ClinVar aggregate classification (germline): Uncertain significance. Review status: criteria provided, multiple submitters, no conflicts (2 of 4 stars). 2 submissions from 2 submitters: Uncertain significance (2). Last evaluated 2025-07-29.

Submissions (2):

GeneDx
Classification: Uncertain significance. Last evaluated: 2025-07-29. Review status: criteria provided, single submitter. Criteria: GeneDx Variant Classification Process June 2021. Collection method: clinical testing. Allele origin: germline. Affected: yes.
Comment: Not observed at significant frequency in large population cohorts (gnomAD); Has not been previously published as pathogenic or benign to our knowledge; Nonsense variant predicted to result in protein truncation or nonsense mediated decay in a gene or region of a gene for which loss-of-function is not a known mechanism of disease

Labcorp Genetics (formerly Invitae), Labcorp
Classification: Uncertain significance. Last evaluated: 2024-12-10. Review status: criteria provided, single submitter. Criteria: Invitae Variant Classification Sherloc (09022015). Collection method: clinical testing. Allele origin: germline.
Comment: This sequence change creates a premature translational stop signal (p.Gln1425*) in the MTOR gene. It is expected to result in an absent or disrupted protein product. However, the current clinical and genetic evidence is not sufficient to establish whether loss-of-function variants in MTOR cause disease. This variant is not present in population databases (gnomAD no frequency). This variant has not been reported in the literature in individuals affected with MTOR-related conditions. In summary, the available evidence is currently insufficient to determine the role of this variant in disease. Therefore, it has been classified as a Variant of Uncertain Significance.

NM_004958.4(MTOR):c.4273C>T (p.Gln1425Ter)

Gene: MTOR (mechanistic target of rapamycin kinase; minus strand). Cytogenetic location: 1p36.22.
Variant type: single nucleotide variant.
Coding change: c.4273C>T on transcript NM_004958.4 (MANE Select); coding-DNA position 4273, C replaced by T.
Protein change: p.Gln1425Ter; replaces glutamine 1425 with a stop codon.
Molecular consequence: nonsense.
Genome position (GRCh38, 1-based): chr1:11,167,498, G>A on the plus strand (C>T on the coding strand, the complement: MTOR is on the minus strand). VCF-style: chr1-11167498-G-A. GRCh37 (hg19) VCF-style: chr1-11227555-G-A.
Other names: c.4273C>T, p.Gln1425Ter (NM_001386500.1); c.3025C>T, p.Gln1009Ter (NM_001386501.1); short protein forms Q1009*, Q1425*.
Identifiers: ClinVar variation 3727000 (VCV003727000.3).